The following is an entry in ClinVar:

ClinVar aggregate classification (germline): Uncertain significance (1 of 4 stars; one submission).

Submission:

CeGaT Center for Human Genetics Tuebingen
Classification: Uncertain significance. Last evaluated: 2025-11-01. Review status: criteria provided, single submitter. Criteria: CeGaT Center For Human Genetics Tuebingen Variant Classification Criteria Version 2. Collection method: clinical testing. Allele origin: germline. Affected: yes. Observed: 1 variant allele.
Comment: BAP1: PM2:Supporting, BP4

NM_004656.4(BAP1):c.1158T>A (p.Val386=)

Gene: BAP1 (BRCA1 associated deubiquitinase 1; minus strand). Cytogenetic location: 3p21.1.
Variant type: single nucleotide variant.
Coding change: c.1158T>A on transcript NM_004656.4 (MANE Select); coding-DNA position 1158, T replaced by A.
Protein change: p.Val386=; no amino-acid change (valine 386 retained).
Molecular consequence: synonymous variant.
Genome position (GRCh38, 1-based): chr3:52,404,545, A>T on the plus strand (T>A on the coding strand, the complement: BAP1 is on the minus strand). VCF-style: chr3-52404545-A-T. GRCh37 (hg19) VCF-style: chr3-52438561-A-T.
Other names: c.1104T>A, p.Val368= (NM_001410772.1).
Identifiers: ClinVar variation 4535406 (VCV004535406.6).